The following is an entry in ClinVar:

NM_018979.4(WNK1):c.5390A>T (p.Asp1797Val)

Gene: WNK1 (WNK lysine deficient protein kinase 1; plus strand). Cytogenetic location: 12p13.33.
Variant type: single nucleotide variant.
Coding change: c.5390A>T on transcript NM_018979.4 (MANE Select); coding-DNA position 5390, A replaced by T.
Protein change: p.Asp1797Val; replaces aspartic acid 1797 with valine.
Molecular consequence: missense variant.
Genome position (GRCh38, 1-based): chr12:889,165, A>T. VCF-style: chr12-889165-A-T. GRCh37 (hg19) VCF-style: chr12-998331-A-T.
Other names: c.6170A>T, p.Asp2057Val (NM_001184985.2); c.4649A>T, p.Asp1550Val (NM_014823.3); c.6146A>T, p.Asp2049Val (NM_213655.5); short protein forms D1550V, D2057V, D1797V, D2049V.
Identifiers: ClinVar variation 1465615 (VCV001465615.6), dbSNP rs774548155, ClinGen allele CA6383159.

ClinVar aggregate classification (germline): Uncertain significance (1 of 4 stars; one submission).

Conditions:
Neuropathy, hereditary sensory and autonomic, type 2A (HSAN2A). Also called: ACROOSTEOLYSIS, GIACCAI TYPE; ACROOSTEOLYSIS, NEUROGENIC; MORVAN DISEASE; NEUROPATHY, CONGENITAL SENSORY; NEUROPATHY, HEREDITARY SENSORY RADICULAR, AUTOSOMAL RECESSIVE; NEUROPATHY, HEREDITARY SENSORY, TYPE IIA. Identifiers: Orphanet 970, MedGen C2752089, MONDO:0024309, OMIM 201300.
Pseudohypoaldosteronism type 2C (PHA2C). Also called: Pseudohypoaldosteronism Type IIC. Identifiers: Orphanet 757, Orphanet 88940, MedGen C1840391, MONDO:0013778, OMIM 614492.

Allele frequency attached by ClinVar (database versions not stated): TOPMed below 0.00001; ExAC 0.00001; gnomAD exomes 0.00001 and 0.00002.
gnomAD v4.1: 10 of 1,614,112 alleles (0.00062%); highest among the groups gnomAD compares: Non-Finnish European, 0.00076%; no homozygotes.

Submission:

Labcorp Genetics (formerly Invitae), Labcorp
Classification: Uncertain significance for Neuropathy, hereditary sensory and autonomic, type 2A; Pseudohypoaldosteronism type 2C. Last evaluated: 2021-08-03. Review status: criteria provided, single submitter. Criteria: Invitae Variant Classification Sherloc (09022015). Collection method: clinical testing. Allele origin: germline.
Comment: In summary, the available evidence is currently insufficient to determine the role of this variant in disease. Therefore, it has been classified as a Variant of Uncertain Significance. Advanced modeling of protein sequence and biophysical properties (such as structural, functional, and spatial information, amino acid conservation, physicochemical variation, residue mobility, and thermodynamic stability) performed at Invitae indicates that this missense variant is not expected to disrupt WNK1 protein function. This variant has not been reported in the literature in individuals affected with WNK1-related conditions. This variant is present in population databases (rs774548155, ExAC 0.001%). This sequence change replaces aspartic acid with valine at codon 2049 of the WNK1 protein (p.Asp2049Val). The aspartic acid residue is highly conserved and there is a large physicochemical difference between aspartic acid and valine.